The following is an entry in ClinVar:

NM_002267.4(KPNA3):c.944C>T (p.Thr315Ile)

Gene: KPNA3 (karyopherin subunit alpha 3; minus strand). Cytogenetic location: 13q14.2.
Variant type: single nucleotide variant.
Coding change: c.944C>T on transcript NM_002267.4 (MANE Select); coding-DNA position 944, C replaced by T.
Protein change: p.Thr315Ile; replaces threonine 315 with isoleucine.
Molecular consequence: missense variant.
Genome position (GRCh38, 1-based): chr13:49,709,660, G>A on the plus strand (C>T on the coding strand, the complement: KPNA3 is on the minus strand). VCF-style: chr13-49709660-G-A. GRCh37 (hg19) VCF-style: chr13-50283796-G-A.
Other names: short protein forms T315I.
Identifiers: ClinVar variation 1713273 (VCV001713273.22), dbSNP rs2541636062, ClinGen allele CA388201425.

ClinVar aggregate classification (germline): Likely pathogenic. Review status: criteria provided, single submitter (1 of 4 stars). 2 submissions from 2 submitters: Likely pathogenic (1). 1 of the submissions does not count toward it. Last evaluated 2024-03-01.

Conditions:
Spastic paraplegia 88, autosomal dominant. Identifiers: MedGen C5774247, MONDO:0859309, OMIM 620106.

Submissions (2):

CeGaT Center for Human Genetics Tuebingen
Classification: Likely pathogenic. Last evaluated: 2024-03-01. Review status: criteria provided, single submitter. Criteria: CeGaT Center For Human Genetics Tuebingen Variant Classification Criteria Version 2. Collection method: clinical testing. Allele origin: germline. Affected: yes. Observed: 1 variant allele.
Comment: KPNA3: PM2, PS2:Moderate, PS4:Moderate, PP1, PP3, PS3:Supporting

OMIM
Classification: Pathogenic for SPASTIC PARAPLEGIA 88, AUTOSOMAL DOMINANT. Last evaluated: 2022-11-02. Review status: no assertion criteria provided. Collection method: literature only. Allele origin: germline. Not counted in ClinVar's aggregate classification.

Literature cited by the submitters: PubMed 34564892 (cited by OMIM); PubMed 34981581 (cited by OMIM).